The following is an entry in ClinVar:

ClinVar aggregate classification (germline): Likely benign. Review status: criteria provided, multiple submitters, no conflicts (2 of 4 stars). 2 submissions from 2 submitters: Likely benign (2). Last evaluated 2026-07-31.

Conditions:
RP1L1-related disorder. Also called: RP1L1-related condition.

Allele frequency attached by ClinVar (database versions not stated): gnomAD 0.00002; TOPMed 0.00006; gnomAD exomes 0.00010; ExAC 0.00015.
gnomAD v4.1: 128 of 1,614,068 alleles (0.0079%); highest among the groups gnomAD compares: Non-Finnish European, 0.01%; no homozygotes.

Submissions (2):

PreventionGenetics, part of Exact Sciences
Classification: Likely benign for RP1L1-related condition. Last evaluated: 2026-07-31. Review status: criteria provided, single submitter. Criteria: ACMG Guidelines, 2015. Collection method: clinical testing. Allele origin: germline.
Comment: This variant is classified as likely benign based on ACMG/AMP sequence variant interpretation guidelines (Richards et al. 2015 PMID: 25741868, with internal and published modifications).

Labcorp Genetics (formerly Invitae), Labcorp
Classification: Likely benign. Last evaluated: 2025-10-10. Review status: criteria provided, single submitter. Criteria: Invitae Variant Classification Sherloc (09022015). Collection method: clinical testing. Allele origin: germline.

NM_178857.6(RP1L1):c.537C>T (p.Ala179=)

Gene: RP1L1 (RP1 like 1). Cytogenetic location: 8p23.1.
Variant type: single nucleotide variant.
Coding change: c.537C>T on transcript NM_178857.6 (MANE Select); coding-DNA position 537, C replaced by T.
Protein change: p.Ala179=; no amino-acid change (alanine 179 retained).
Molecular consequence: synonymous variant.
Genome position (GRCh38, 1-based): chr8:10,622,665, G>A on the plus strand (C>T on the coding strand, the complement: RP1L1 is on the minus strand). VCF-style: chr8-10622665-G-A. GRCh37 (hg19) VCF-style: chr8-10480175-G-A.
Other names: c.537C>T (NM_178857.5).
Identifiers: ClinVar variation 1543397 (VCV001543397.9), dbSNP rs749646079, ClinGen allele CA4625655.